The following is an entry in ClinVar:

ClinVar aggregate classification (germline): Uncertain significance (1 of 4 stars; one submission).

Submission:

GeneDx
Classification: Uncertain significance. Last evaluated: 2024-06-26. Review status: criteria provided, single submitter. Criteria: GeneDx Variant Classification Process June 2021. Collection method: clinical testing. Allele origin: germline. Affected: yes.
Comment: Not observed at significant frequency in large population cohorts (gnomAD); In silico analysis indicates that this missense variant does not alter protein structure/function; Has not been previously published as pathogenic or benign to our knowledge

NM_018297.4(NGLY1):c.453C>A (p.Asn151Lys)

Gene: NGLY1 (N-glycanase 1; minus strand). Cytogenetic location: 3p24.2.
Variant type: single nucleotide variant.
Coding change: c.453C>A on transcript NM_018297.4 (MANE Select); coding-DNA position 453, C replaced by A.
Protein change: p.Asn151Lys; replaces asparagine 151 with lysine.
Molecular consequence: missense variant.
Genome position (GRCh38, 1-based): chr3:25,764,105, G>T on the plus strand (C>A on the coding strand, the complement: NGLY1 is on the minus strand). VCF-style: chr3-25764105-G-T. GRCh37 (hg19) VCF-style: chr3-25805596-G-T.
Other names: c.453C>A, p.Asn151Lys (NM_001145293.2, NM_001145295.2); c.327C>A, p.Asn109Lys (NM_001145294.2); short protein forms N109K, N151K.
Identifiers: ClinVar variation 3392786 (VCV003392786.1).